The following is an entry in ClinVar:

NM_001377.3(DYNC2H1):c.500G>A (p.Arg167Gln)

Gene: DYNC2H1 (dynein cytoplasmic 2 heavy chain 1; plus strand). Cytogenetic location: 11q22.3.
Variant type: single nucleotide variant.
Coding change: c.500G>A on transcript NM_001377.3 (MANE Select); coding-DNA position 500, G replaced by A.
Protein change: p.Arg167Gln; replaces arginine 167 with glutamine.
Molecular consequence: missense variant.
Genome position (GRCh38, 1-based): chr11:103,114,236, G>A. VCF-style: chr11-103114236-G-A. GRCh37 (hg19) VCF-style: chr11-102984965-G-A.
Other names: c.500G>A, p.Arg167Gln (NM_001080463.2); short protein forms R167Q.
Identifiers: ClinVar variation 1898777 (VCV001898777.2), dbSNP rs755933359, ClinGen allele CA6252498.

ClinVar aggregate classification (germline): Uncertain significance (1 of 4 stars; one submission).

Conditions:
Jeune thoracic dystrophy. Also called: Short-rib thoracic dysplasia; Jeune syndrome; Infantile thoracic dystrophy; Thoracic pelvic phalangeal dystrophy; Jeune's syndrome; Chondroectodermal dysplasia-like syndrome. Identifiers: Orphanet 474, MedGen C0265275, MONDO:0018770.

Allele frequency attached by ClinVar (database versions not stated): TOPMed below 0.00001.
gnomAD v4.1: 6 of 1,585,436 alleles (0.00038%); highest among the groups gnomAD compares: Middle Eastern, 0.018%; no homozygotes.

Submission:

Labcorp Genetics (formerly Invitae), Labcorp
Classification: Uncertain significance for Jeune thoracic dystrophy. Last evaluated: 2022-01-15. Review status: criteria provided, single submitter. Criteria: Invitae Variant Classification Sherloc (09022015). Collection method: clinical testing. Allele origin: germline.
Comment: This sequence change replaces arginine, which is basic and polar, with glutamine, which is neutral and polar, at codon 167 of the DYNC2H1 protein (p.Arg167Gln). The frequency data for this variant in the population databases is considered unreliable, as metrics indicate poor data quality at this position in the gnomAD database. This variant has not been reported in the literature in individuals affected with DYNC2H1-related conditions. Algorithms developed to predict the effect of missense changes on protein structure and function (SIFT, PolyPhen-2, Align-GVGD) all suggest that this variant is likely to be tolerated. In summary, the available evidence is currently insufficient to determine the role of this variant in disease. Therefore, it has been classified as a Variant of Uncertain Significance.